The following is an entry in ClinVar:

NM_000503.6(EYA1):c.-24G>T

Gene: EYA1 (EYA transcriptional coactivator and phosphatase 1; minus strand). Cytogenetic location: 8q13.3.
Variant type: single nucleotide variant.
Coding change: c.-24G>T on transcript NM_000503.6 (MANE Select); 24 bases upstream of the start codon, G replaced by T.
Molecular consequence: 5 prime UTR variant. On other transcripts: missense variant (3).
Genome position (GRCh38, 1-based): chr8:71,356,481, C>A on the plus strand (G>T on the coding strand, the complement: EYA1 is on the minus strand). VCF-style: chr8-71356481-C-A. GRCh37 (hg19) VCF-style: chr8-72268716-C-A.
Other names: c.-24G>T (NM_001288574.2, NM_001370334.1, NM_001370335.1 and 1 more transcripts); c.-308G>T (NM_001288575.2); c.64G>T, p.Ala22Ser (NM_001370333.1, NM_001370336.1, NM_172059.5); short protein forms A22S.
Identifiers: ClinVar variation 228679 (VCV000228679.5), dbSNP rs759264949, ClinGen allele CA10576738.

ClinVar aggregate classification (germline): Uncertain significance. Review status: criteria provided, multiple submitters, no conflicts (2 of 4 stars). 2 submissions from 2 submitters: Uncertain significance (2). Last evaluated 2022-04-26.

Conditions:
Branchiootic syndrome 1 (BOS1). Also called: BO SYNDROME 1; BRANCHIOOTIC DYSPLASIA. Identifiers: MedGen C1865143, MONDO:0011258, OMIM 602588.
Branchiootorenal syndrome 1. Also called: Branchio-Oto-Renal Syndrome 1. Identifiers: Orphanet 107, MedGen C4551702, MONDO:0007236, OMIM 113650.
Otofaciocervical syndrome 1 (OTFCS). Identifiers: MedGen C3714941, MONDO:0024532, OMIM 166780.

Allele frequency attached by ClinVar (database versions not stated): gnomAD 0.00001; TOPMed 0.00001.

Submissions (2):

Fulgent Genetics
Classification: Uncertain significance for Branchiootorenal syndrome 1; Otofaciocervical syndrome 1; Branchiootic syndrome 1. Last evaluated: 2022-04-26. Review status: criteria provided, single submitter. Criteria: ACMG Guidelines, 2015. Collection method: clinical testing. Allele origin: unknown.

Laboratory for Molecular Medicine, Mass General Brigham Personalized Medicine
Classification: Uncertain significance. Last evaluated: 2015-11-24. Review status: criteria provided, single submitter. Criteria: LMM Criteria. Collection method: clinical testing. Allele origin: germline. Observed: 1 variant allele.
Comment: The p.Leu2Phe variant in EYA1 has not been previously reported in individuals wi th hearing loss or in large population studies. Computational prediction tools a nd conservation analysis suggest that the p.Leu2Phe variant may not impact the p rotein, though this information is not predictive enough to rule out pathogenici ty. In summary, the clinical significance of the p.Leu2Phe variant is uncertain.